The following is an entry in ClinVar:

ClinVar aggregate classification (germline): Uncertain significance. Review status: criteria provided, multiple submitters, no conflicts (2 of 4 stars). 2 submissions from 2 submitters: Uncertain significance (2). Last evaluated 2025-01-27.

Conditions:
Primary ciliary dyskinesia. Also called: Ciliary dyskinesia. Identifiers: Orphanet 244, MedGen C0008780, MONDO:0016575, HP:0012265.
Kartagener syndrome (CILD1). Also called: CILIARY DYSKINESIA, PRIMARY, 1, WITH OR WITHOUT SITUS INVERSUS; IMMOTILE CILIA SYNDROME; CILIARY DYSKINESIA, PRIMARY, 1; SIEWERT SYNDROME; Dextrocardia bronchiectasis and sinusitis; POLYNESIAN BRONCHIECTASIS. Identifiers: Orphanet 244, MedGen C4551906, MONDO:0009484, OMIM 244400.

Allele frequency attached by ClinVar (database versions not stated): gnomAD exomes below 0.00001; TOPMed below 0.00001; ExAC 0.00001; ESP Exome Variant Server 0.00008.
gnomAD v4.1: 1 of 1,614,154 alleles (0.000062%); highest among the groups gnomAD compares: African/African-American, 0.0013%; no homozygotes.

Submissions (2):

Labcorp Genetics (formerly Invitae), Labcorp
Classification: Uncertain significance for Primary ciliary dyskinesia. Last evaluated: 2025-01-27. Review status: criteria provided, single submitter. Criteria: Invitae Variant Classification Sherloc (09022015). Collection method: clinical testing. Allele origin: germline.
Comment: This sequence change replaces glycine, which is neutral and non-polar, with aspartic acid, which is acidic and polar, at codon 402 of the DNAI1 protein (p.Gly402Asp). This variant is present in population databases (rs138954776, gnomAD 0.007%). This missense change has been observed in individual(s) with primary ciliary dyskinesia (internal data). ClinVar contains an entry for this variant (Variation ID: 1065572). Invitae Evidence Modeling of protein sequence and biophysical properties (such as structural, functional, and spatial information, amino acid conservation, physicochemical variation, residue mobility, and thermodynamic stability) indicates that this missense variant is expected to disrupt DNAI1 protein function with a positive predictive value of 95%. In summary, the available evidence is currently insufficient to determine the role of this variant in disease. Therefore, it has been classified as a Variant of Uncertain Significance.

Johns Hopkins Genomics, Johns Hopkins University
Classification: Uncertain significance for Kartagener syndrome. Last evaluated: 2021-04-29. Review status: criteria provided, single submitter. Criteria: ACMG Guidelines, 2015. Collection method: clinical testing. Allele origin: germline.
Comment: This DNAI1 variant (rs138954776) is rare (<0.1%) in a large population dataset (gnomAD: 1/251280 total alleles; 00004%; no homozygotes) and has not been reported in ClinVar nor the literature, to our knowledge. Three bioinformatic tools queried predict that this substitution would be damaging. The glycine residue at this position is present in the highly conserved WD2 domain of DNAI1 and is evolutionarily conserved across all species assessed. Due to insufficient evidence that this variant is deleterious, we consider the clinical significance of c.1205G>A to be uncertain at this time.

Literature cited by the submitters: PubMed 16858015 (cited by Johns Hopkins Genomics, Johns Hopkins University); PubMed 21143860 (cited by Johns Hopkins Genomics, Johns Hopkins University).

NM_012144.4(DNAI1):c.1205G>A (p.Gly402Asp)

Gene: DNAI1 (dynein axonemal intermediate chain 1; plus strand). Cytogenetic location: 9p13.3.
Variant type: single nucleotide variant.
Coding change: c.1205G>A on transcript NM_012144.4 (MANE Select); coding-DNA position 1205, G replaced by A.
Protein change: p.Gly402Asp; replaces glycine 402 with aspartic acid.
Molecular consequence: missense variant.
Genome position (GRCh38, 1-based): chr9:34,506,768, G>A. VCF-style: chr9-34506768-G-A. GRCh37 (hg19) VCF-style: chr9-34506766-G-A.
Other names: c.1217G>A, p.Gly406Asp (NM_001281428.2); short protein forms G402D, G406D.
Identifiers: ClinVar variation 1065572 (VCV001065572.4), dbSNP rs138954776, ClinGen allele CA5034320.